The following is an entry in ClinVar:

ClinVar aggregate classification (germline): Uncertain significance (1 of 4 stars; one submission).

gnomAD v4.1: 7 of 1,614,028 alleles (0.00043%); highest among the groups gnomAD compares: Non-Finnish European, 0.00051%; no homozygotes.

Submission:

Ambry Genetics
Classification: Uncertain significance. Last evaluated: 2024-12-06. Review status: criteria provided, single submitter. Criteria: Ambry Variant Classification Scheme 2023. Collection method: clinical testing. Allele origin: germline.
Comment: The p.D423N variant (also known as c.1267G>A), located in coding exon 5 of the WNK2 gene, results from a G to A substitution at nucleotide position 1267. The aspartic acid at codon 423 is replaced by asparagine, an amino acid with highly similar properties. This amino acid position is conserved. In addition, this alteration is predicted to be tolerated by in silico analysis. Based on the available evidence, the clinical significance of this variant remains unclear.

NM_006648.4(WNK2):c.1267G>A (p.Asp423Asn)

Gene: WNK2 (WNK lysine deficient protein kinase 2; plus strand). Cytogenetic location: 9q22.31.
Variant type: single nucleotide variant.
Coding change: c.1267G>A on transcript NM_006648.4 (MANE Select); coding-DNA position 1267, G replaced by A.
Protein change: p.Asp423Asn; replaces aspartic acid 423 with asparagine.
Molecular consequence: missense variant.
Genome position (GRCh38, 1-based): chr9:93,238,266, G>A. VCF-style: chr9-93238266-G-A. GRCh37 (hg19) VCF-style: chr9-96000548-G-A.
Other names: c.1267G>A, p.Asp423Asn (NM_001282394.3); short protein forms D423N.
Identifiers: ClinVar variation 3470596 (VCV003470596.1).
Genomic context (GRCh38, chr9:93,238,266, plus strand): 5'-CAGGTAACTCTGCTCTCTCCCTGTCAGGGTATCAAGCCGGCCAGCTTTGAGAAAGTGCAC[G>A]ATCCTGAAATCAAGGAGATTATTGGGGAGTGTATCTGCAAAAACAAGGAGGAAAGGTGAG-3'
Protein context (NP_006639.3, residues 413-433): IKPASFEKVH[Asp423Asn]PEIKEIIGEC